The following is an entry in ClinVar:

ClinVar aggregate classification (germline): Likely benign. Review status: criteria provided, single submitter (1 of 4 stars). 2 submissions from 2 submitters: Likely benign (1). 1 of the submissions does not count toward it. Last evaluated 2025-12-13.

Conditions:
PCCA-related disorder. Also called: PCCA-related condition.
Propionic acidemia (PROP). Also called: GLYCINEMIA, KETOTIC; HYPERGLYCINEMIA WITH KETOACIDOSIS AND LEUKOPENIA; KETOTIC HYPERGLYCINEMIA. Identifiers: Orphanet 35, MedGen C0268579, MONDO:0011628, OMIM 606054, HP:0003571.

Submissions (2):

Labcorp Genetics (formerly Invitae), Labcorp
Classification: Likely benign for Propionic acidemia. Last evaluated: 2025-12-13. Review status: criteria provided, single submitter. Criteria: Invitae Variant Classification Sherloc (09022015). Collection method: clinical testing. Allele origin: germline.

PreventionGenetics, part of Exact Sciences
Classification: Likely benign for PCCA-related condition. Last evaluated: 2020-02-05. Review status: no assertion criteria provided. Collection method: clinical testing. Allele origin: germline. Not counted in ClinVar's aggregate classification.
Comment: This variant is classified as likely benign based on ACMG/AMP sequence variant interpretation guidelines (Richards et al. 2015 PMID: 25741868, with internal and published modifications).

NM_000282.4(PCCA):c.1846-10dup

Gene: PCCA (propionyl-CoA carboxylase subunit alpha; plus strand). Cytogenetic location: 13q32.3.
Variant type: Duplication.
Coding change: c.1846-10dup on transcript NM_000282.4 (MANE Select); 10 bases into the intron before coding-DNA position 1846, one base duplicated (T; older notation c.1846-10dupT).
Molecular consequence: intron variant.
Genome position (GRCh38, 1-based): chr13:100,449,242, T duplicated; the last of 3 consecutive T bases (chr13:100,449,240-100,449,242); duplicating any one gives the same sequence. VCF-style (leftmost placement, unchanged base first): chr13-100449239-G-GT. GRCh37 (hg19) VCF-style: chr13-101101493-G-GT.
Other names: c.1846-10dup (NM_001178004.2, NM_001352609.2); c.1845+23511dup (NM_001352605.2); c.1702-10dup (NM_001352606.2); c.901-10dup (NM_001352610.2); c.900+23511dup (NM_001352611.2); c.757-10dup (NM_001352612.2); c.1768-10dup (NM_001127692.3, NM_001352607.2); c.1624-10dup (NM_001352608.2); and 1 more.
Identifiers: ClinVar variation 2195649 (VCV002195649.6), dbSNP rs758330186, ClinGen allele CA7033813.